The following is an entry in ClinVar:

NM_144997.7(FLCN):c.1062+7G>A

Gene: FLCN (folliculin; minus strand). Cytogenetic location: 17p11.2.
Variant type: single nucleotide variant.
Coding change: c.1062+7G>A on transcript NM_144997.7 (MANE Select); 7 bases into the intron after coding-DNA position 1062, G replaced by A.
Molecular consequence: intron variant.
Genome position (GRCh38, 1-based): chr17:17,219,012, C>T on the plus strand (G>A on the coding strand, the complement: FLCN is on the minus strand). VCF-style: chr17-17219012-C-T. GRCh37 (hg19) VCF-style: chr17-17122326-C-T.
Other names: c.1062+7G>A (LRG_325t1, NM_001353231.2, NM_001353230.2); c.1116+7G>A (NM_001353229.2).
Identifiers: ClinVar variation 460577 (VCV000460577.19), dbSNP rs540198776, ClinGen allele CA8416167.

ClinVar aggregate classification (germline): Benign/Likely benign. Review status: criteria provided, multiple submitters, no conflicts (2 of 4 stars). 10 submissions from 10 submitters: Benign (2); Likely benign (8). Last evaluated 2026-01-19.

Conditions:
Birt-Hogg-Dube syndrome 1 (BHD1). Also called: FIBROFOLLICULOMAS WITH TRICHODISCOMAS AND ACROCHORDONS. Identifiers: Orphanet 122, MedGen CN375946, MONDO:0800445, OMIM 135150.
FLCN-related disorder. Also called: FLCN-related condition.
Familial spontaneous pneumothorax (PSP). Identifiers: Orphanet 2903, MedGen C1868193, MONDO:0008259, OMIM 173600.
Nonpapillary renal cell carcinoma. Identifiers: Orphanet 422526, MedGen CN074294, MONDO:0007763, OMIM 144700.
17p11.2 microduplication syndrome (PTLS). Also called: CHROMOSOME 17p11.2 DUPLICATION SYNDROME; Potocki-Lupski syndrome; Duplication 17p11.2 syndrome; Potocki-Lupski syndrome (dup(17)(p11.2p11.2)). Identifiers: Orphanet 1713, MedGen C2931246, MONDO:0012574, OMIM 610883.
Colorectal cancer. Also called: Malignant Colorectal Neoplasm; Colorectal cancer, somatic. Identifiers: MedGen C0346629, MONDO:0005575, OMIM 114500.
Birt-Hogg-Dube syndrome. Also called: Birt Hogg Dubé syndrome. Identifiers: Orphanet 122, MedGen C0346010, MONDO:0800444.

Allele frequency attached by ClinVar (database versions not stated): ExAC 0.00006; gnomAD exomes 0.00008 and 0.00009; TOPMed 0.00014; 1000 Genomes Project 30x 0.00016; gnomAD 0.00016; 1000 Genomes Project 0.00020.
gnomAD v4.1: 147 of 1,612,892 alleles (0.0091%); highest among the groups gnomAD compares: Middle Eastern, 0.071%; no homozygotes.

Submissions (10):

Labcorp Genetics (formerly Invitae), Labcorp
Classification: Likely benign for Birt-Hogg-Dube syndrome. Last evaluated: 2026-01-19. Review status: criteria provided, single submitter. Criteria: Invitae Variant Classification Sherloc (09022015). Collection method: clinical testing. Allele origin: germline.

Genomic Medicine Center of Excellence, King Faisal Specialist Hospital and Research Centre
Classification: Likely benign. Last evaluated: 2025-08-18. Review status: criteria provided, single submitter. Criteria: ACMG Guidelines, 2015. Collection method: clinical testing. Allele origin: germline.

PreventionGenetics, part of Exact Sciences
Classification: Likely benign for FLCN-related condition. Last evaluated: 2025-06-09. Review status: criteria provided, single submitter. Criteria: ACMG Guidelines, 2015. Collection method: clinical testing. Allele origin: germline.
Comment: This variant is classified as likely benign based on ACMG/AMP sequence variant interpretation guidelines (Richards et al. 2015 PMID: 25741868, with internal and published modifications).

Center for Genomic Medicine, Rigshospitalet, Copenhagen University Hospital
Classification: Likely benign. Last evaluated: 2025-03-04. Review status: criteria provided, single submitter. Criteria: ACMG Guidelines, 2015. Collection method: clinical testing. Allele origin: germline.

Myriad Genetics, Inc.
Classification: Benign for Birt-Hogg-Dube syndrome 1. Last evaluated: 2024-10-24. Review status: criteria provided, single submitter. Criteria: Myriad Autosomal Dominant, Autosomal Recessive and X-Linked Classification Criteria (2023). Collection method: clinical testing. Allele origin: unknown.
Comment: This variant is considered benign. This variant is intronic and is not expected to impact mRNA splicing. This variant has been observed at a population frequency that is significantly greater than expected given the associated disease prevalence and penetrance.

Blueprint Genetics
Classification: Likely benign. Last evaluated: 2024-09-20. Review status: criteria provided, single submitter. Criteria: ACMG Guidelines, 2015. Collection method: clinical testing. Allele origin: germline.

KCCC/NGS Laboratory, Kuwait Cancer Control Center
Classification: Likely benign for Birt-Hogg-Dube syndrome 1. Last evaluated: 2023-07-07. Review status: criteria provided, single submitter. Criteria: ACMG Guidelines, 2015. Collection method: clinical testing. Allele origin: germline. Affected: yes.

Fulgent Genetics
Classification: Likely benign for Colorectal cancer; Birt-Hogg-Dube syndrome 1; Nonpapillary renal cell carcinoma; Familial spontaneous pneumothorax; 17p11.2 microduplication syndrome. Last evaluated: 2021-11-30. Review status: criteria provided, single submitter. Criteria: ACMG Guidelines, 2015. Collection method: clinical testing. Allele origin: unknown.

Quest Diagnostics Nichols Institute San Juan Capistrano
Classification: Benign. Last evaluated: 2021-07-27. Review status: criteria provided, single submitter. Criteria: Quest Diagnostics criteria. Collection method: clinical testing. Allele origin: unknown.

GeneDx
Classification: Likely benign. Last evaluated: 2017-08-01. Review status: criteria provided, single submitter. Criteria: GeneDx Variant Classification (06012015). Collection method: clinical testing. Allele origin: germline. Affected: yes.
Comment: This variant is considered likely benign or benign based on one or more of the following criteria: it is a conservative change, it occurs at a poorly conserved position in the protein, it is predicted to be benign by multiple in silico algorithms, and/or has population frequency not consistent with disease.